The following is an entry in ClinVar:

NM_001171613.2(PREPL):c.1360C>T (p.His454Tyr)

Gene: PREPL (prolyl endopeptidase like; minus strand). Cytogenetic location: 2p21.
Variant type: single nucleotide variant.
Coding change: c.1360C>T on transcript NM_001171613.2 (MANE Select); coding-DNA position 1360, C replaced by T.
Protein change: p.His454Tyr; replaces histidine 454 with tyrosine.
Molecular consequence: missense variant.
Genome position (GRCh38, 1-based): chr2:44,326,831, G>A on the plus strand (C>T on the coding strand, the complement: PREPL is on the minus strand). VCF-style: chr2-44326831-G-A. GRCh37 (hg19) VCF-style: chr2-44553970-G-A.
Other names: c.1441C>T, p.His481Tyr (NM_001042385.2); c.1429C>T, p.His477Tyr (NM_001042386.2); c.1627C>T, p.His543Tyr (NM_001171603.1, NM_001171606.2, NM_001374275.1 and 2 more transcripts); c.1360C>T, p.His454Tyr (NM_001171617.1, NM_001374277.1); short protein forms H454Y, H477Y, H481Y, H543Y.
Identifiers: ClinVar variation 2421370 (VCV002421370.5), dbSNP rs1303543846, ClinGen allele CA346689610.
Genomic context (GRCh38, chr2:44,326,831, plus strand): 5'-CCCCTCCAGCACTGAAAGCAGTCAGGGTTGTTAGACTTGGCTGAGAAAAGCCTTGGCCAT[G>A]AAGCGTCTTAATGCAAGCCTCTAAATCAGCAAGGCCATTGAGTTTTTTAGTTAGGCGGCC-3'
Protein context (NP_001165084.1, residues 444-464): ADLEACIKTL[His454Tyr]GQGFSQPSLT

ClinVar aggregate classification (germline): Uncertain significance (1 of 4 stars; one submission).

Conditions:
Myasthenic syndrome, congenital, 22 (CMS22). Also called: PREPL DEFICIENCY. Identifiers: MedGen C4479088, MONDO:0044299, OMIM 616224.

Allele frequency attached by ClinVar (database versions not stated): gnomAD exomes below 0.00001.
gnomAD v4.1: 2 of 1,614,178 alleles (0.00012%); highest among the groups gnomAD compares: Admixed American, 0.0033%; no homozygotes.

Submission:

Labcorp Genetics (formerly Invitae), Labcorp
Classification: Uncertain significance for Myasthenic syndrome, congenital, 22. Last evaluated: 2022-05-08. Review status: criteria provided, single submitter. Criteria: Invitae Variant Classification Sherloc (09022015). Collection method: clinical testing. Allele origin: germline.
Comment: In summary, the available evidence is currently insufficient to determine the role of this variant in disease. Therefore, it has been classified as a Variant of Uncertain Significance. Algorithms developed to predict the effect of missense changes on protein structure and function are either unavailable or do not agree on the potential impact of this missense change (SIFT: "Deleterious"; PolyPhen-2: "Probably Damaging"; Align-GVGD: "Class C0"). This variant has not been reported in the literature in individuals affected with PREPL-related conditions. This variant is present in population databases (no rsID available, gnomAD 0.006%). This sequence change replaces histidine, which is basic and polar, with tyrosine, which is neutral and polar, at codon 543 of the PREPL protein (p.His543Tyr).